The following is an entry in ClinVar:

ClinVar aggregate classification (germline): Uncertain significance (1 of 4 stars; one submission).

Conditions:
HCN2-related disorder. Also called: HCN2-related condition.

Submission:

3billion
Classification: Uncertain significance for HCN2-related disorder. Last evaluated: 2025-10-29. Review status: criteria provided, single submitter. Criteria: ACMG Guidelines, 2015. Collection method: clinical testing. Allele origin: germline. Affected: yes.
Comment: The variant is not observed in the gnomAD v4.1.0 dataset. Predicted Consequence/Location: Missense variant. Missense changes are a common disease-causing mechanism. Different missense changes at the same codon have been reported as of uncertain significance (ClinVar ID: VCV002252798). Therefore, this variant is classified as VUS according to the recommendation of ACMG/AMP guideline.

NM_001194.4(HCN2):c.2381C>T (p.Pro794Leu)

Gene: HCN2 (hyperpolarization activated cyclic nucleotide gated potassium and sodium channel 2; plus strand). Cytogenetic location: 19p13.3.
Variant type: single nucleotide variant.
Coding change: c.2381C>T on transcript NM_001194.4 (MANE Select); coding-DNA position 2381, C replaced by T.
Protein change: p.Pro794Leu; replaces proline 794 with leucine.
Molecular consequence: missense variant.
Genome position (GRCh38, 1-based): chr19:616,185, C>T. VCF-style: chr19-616185-C-T. GRCh37 (hg19) VCF-style: chr19-616185-C-T.
Other names: short protein forms P794L.
Identifiers: ClinVar variation 4855097 (VCV004855097.1).